The following is an entry in ClinVar:

NM_182961.4(SYNE1):c.23291T>C (p.Leu7764Pro)

Gene: SYNE1 (spectrin repeat containing nuclear envelope protein 1; minus strand). Cytogenetic location: 6q25.2.
Variant type: single nucleotide variant.
Coding change: c.23291T>C on transcript NM_182961.4 (MANE Select); coding-DNA position 23291, T replaced by C.
Protein change: p.Leu7764Pro; replaces leucine 7764 with proline.
Molecular consequence: missense variant.
Genome position (GRCh38, 1-based): chr6:152,189,262, A>G on the plus strand (T>C on the coding strand, the complement: SYNE1 is on the minus strand). VCF-style: chr6-152189262-A-G. GRCh37 (hg19) VCF-style: chr6-152510397-A-G.
Other names: c.23078T>C, p.Leu7693Pro (NM_033071.5); short protein forms L7693P, L7764P.
Identifiers: ClinVar variation 2436728 (VCV002436728.4), dbSNP rs2071491116, ClinGen allele CA366093959.
Genomic context (GRCh38, chr6:152,189,262, plus strand): 5'-CTCCCAATTTTCCATCATCAAGATAATTCCATTTTTAGAACTTATCTTACCTGGTGGCAT[A>G]GTTCTTCCCACTGCCTTTGCAGAAGCTCTACGCGTTCATTAAGAATGGAGATATCATCAG-3'
Protein context (NP_892006.3, residues 7754-7774): VELLQRQWEE[Leu7764Pro]CHQLSLRRQQ

ClinVar aggregate classification (germline): Uncertain significance. Review status: criteria provided, single submitter (1 of 4 stars). 2 submissions from 2 submitters: Uncertain significance (1). 1 of the submissions does not count toward it. Last evaluated 2020-03-08.

Conditions:
SYNE1-related disorder. Also called: SYNE1-related disease; SYNE1-related condition; SYNE1-related disorders.

Allele frequency attached by ClinVar (database versions not stated): TOPMed 0.00001.
gnomAD v4.1: 4 of 1,613,824 alleles (0.00025%); no homozygotes.

Submissions (2):

Revvity Omics, Revvity
Classification: Uncertain significance. Last evaluated: 2020-03-08. Review status: criteria provided, single submitter. Criteria: ACMG Guidelines, 2015. Collection method: clinical testing. Allele origin: germline.

PreventionGenetics, part of Exact Sciences
Classification: Uncertain significance for SYNE1-related condition. Last evaluated: 2024-04-22. Review status: no assertion criteria provided. Collection method: clinical testing. Allele origin: germline. Not counted in ClinVar's aggregate classification.
Comment: The SYNE1 c.23078T>C variant is predicted to result in the amino acid substitution p.Leu7693Pro. To our knowledge, this variant has not been reported in the literature or in a large population database, indicating this variant is rare. At this time, the clinical significance of this variant is uncertain due to the absence of conclusive functional and genetic evidence.